The following is an entry in ClinVar:

NM_000179.3(MSH6):c.859_860del (p.Glu286_Ser287insTer)

Gene: MSH6 (mutS homolog 6; plus strand). Cytogenetic location: 2p16.3.
Variant type: Microsatellite.
Coding change: c.859_860del on transcript NM_000179.3 (MANE Select); coding-DNA positions 859 to 860, 2 bases deleted (AG; older notation c.859_860delAG).
Protein change: p.Glu286_Ser287insTer.
Molecular consequence: nonsense. On other transcripts: frameshift variant (30), 5 prime UTR variant (2).
Genome position (GRCh38, 1-based): chr2:47,798,842-47,798,843, AG deleted; deleting any 2 consecutive bases within chr2:47,798,839-47,798,843 gives the same sequence; the c. name uses the placement nearest the transcript's 3' end. VCF-style (leftmost placement, unchanged base first): chr2-47798838-TGA-T. GRCh37 (hg19) VCF-style: chr2-48025977-TGA-T.
Other names: c.857_858AG[1], p.Ser287Terfs (NM_000179.2, NM_001406796.1, NM_001406798.1 and 5 more transcripts); c.469_470del, p.Glu156_Ser157insTer (NM_001281492.2); c.-50AG[1] (NM_001281493.2, NM_001281494.2); c.953_954AG[1], p.Ser319Terfs (NM_001406795.1, NM_001406802.1); c.560_561AG[1], p.Ser188Terfs (NM_001406797.1, NM_001406801.1, NM_001406805.1 and 10 more transcripts); c.332_333AG[1], p.Ser112Terfs (NM_001406799.1, NM_001406806.1, NM_001406807.1); c.779_780AG[1], p.Ser261Terfs (NM_001406804.1); c.-50_-49AG[1] (NM_001406811.1, NM_001406812.1, NM_001406814.1 and 4 more transcripts); and 3 more.
Identifiers: ClinVar variation 1763955 (VCV001763955.7), dbSNP rs2530574812, ClinGen allele CA2580611330.

ClinVar aggregate classification (germline): Pathogenic. Review status: criteria provided, multiple submitters, no conflicts (2 of 4 stars). 2 submissions from 2 submitters: Pathogenic (2). Last evaluated 2022-02-21.

Conditions:
Hereditary nonpolyposis colorectal neoplasms. Identifiers: MedGen C0009405, MeSH D003123.
Hereditary cancer-predisposing syndrome. Also called: Neoplastic Syndromes, Hereditary; Tumor predisposition; Hereditary Cancer Syndrome; Hereditary neoplastic syndrome. Identifiers: Orphanet 140162, MedGen C0027672, MeSH D009386, MONDO:0015356.

Submissions (2):

Labcorp Genetics (formerly Invitae), Labcorp
Classification: Pathogenic for Hereditary nonpolyposis colorectal neoplasms. Last evaluated: 2022-02-21. Review status: criteria provided, single submitter. Criteria: Invitae Variant Classification Sherloc (09022015). Collection method: clinical testing. Allele origin: germline.
Comment: This sequence change creates a premature translational stop signal (p.Ser287*) in the MSH6 gene. It is expected to result in an absent or disrupted protein product. Loss-of-function variants in MSH6 are known to be pathogenic (PMID: 18269114, 24362816). For these reasons, this variant has been classified as Pathogenic. This variant has not been reported in the literature in individuals affected with MSH6-related conditions. This variant is not present in population databases (gnomAD no frequency).

Ambry Genetics
Classification: Pathogenic for Hereditary cancer-predisposing syndrome. Last evaluated: 2018-04-24. Review status: criteria provided, single submitter. Criteria: Ambry Variant Classification Scheme 2023. Collection method: clinical testing. Allele origin: germline.
Comment: The c.859_860delAG pathogenic mutation, located in coding exon 4 of the MSH6 gene, results from a deletion of two nucleotides at nucleotide positions 859 to 860, causing a translational frameshift with a predicted alternate stop codon (p.S287*). This alteration is expected to result in loss of function by premature protein truncation or nonsense-mediated mRNA decay. As such, this alteration is interpreted as a disease-causing mutation.

Literature cited by the submitters: PubMed 18269114 (cited by Labcorp Genetics (formerly Invitae), Labcorp); PubMed 24362816 (cited by Labcorp Genetics (formerly Invitae), Labcorp).